The following is an entry in ClinVar:

ClinVar aggregate classification (germline): Uncertain significance (1 of 4 stars; one submission).

Submission:

GeneDx
Classification: Uncertain significance. Last evaluated: 2024-05-29. Review status: criteria provided, single submitter. Criteria: GeneDx Variant Classification Process June 2021. Collection method: clinical testing. Allele origin: germline. Affected: yes.
Comment: Not observed at significant frequency in large population cohorts (gnomAD); In silico analysis supports that this missense variant has a deleterious effect on protein structure/function; Has not been previously published as pathogenic or benign to our knowledge

NM_005378.6(MYCN):c.130C>T (p.Pro44Ser)

Genes: MYCN (MYCN proto-oncogene, bHLH transcription factor; plus strand), MYCNOS (MYCN opposite strand; minus strand). Cytogenetic location: 2p24.3.
Variant type: single nucleotide variant.
Coding change: c.130C>T on transcript NM_005378.6 (MANE Select); coding-DNA position 130, C replaced by T.
Protein change: p.Pro44Ser; replaces proline 44 with serine.
Molecular consequence: missense variant. On other transcripts: non-coding transcript variant (1), 3 prime UTR variant (1), intron variant (1).
Genome position (GRCh38, 1-based): chr2:15,942,194, C>T. VCF-style: chr2-15942194-C-T. GRCh37 (hg19) VCF-style: chr2-16082316-C-T.
Other names: c.130C>T, p.Pro44Ser (NM_001293228.2); c.*65C>T (NM_001293233.2); c.157+1451C>T (NM_001293231.2); short protein forms P44S.
Identifiers: ClinVar variation 3383637 (VCV003383637.1).